The following is an entry in ClinVar:

NM_003743.5(NCOA1):c.1292A>G (p.His431Arg)

Gene: NCOA1 (nuclear receptor coactivator 1; plus strand). Cytogenetic location: 2p23.3.
Variant type: single nucleotide variant.
Coding change: c.1292A>G on transcript NM_003743.5 (MANE Select); coding-DNA position 1292, A replaced by G.
Protein change: p.His431Arg; replaces histidine 431 with arginine.
Molecular consequence: missense variant.
Genome position (GRCh38, 1-based): chr2:24,706,762, A>G. VCF-style: chr2-24706762-A-G. GRCh37 (hg19) VCF-style: chr2-24929631-A-G.
Other names: c.1292A>G, p.His431Arg (NM_001362950.1, NM_001362952.1, NM_001362954.1 and 3 more transcripts); short protein forms H431R.
Identifiers: ClinVar variation 3038306 (VCV003038306.3), dbSNP rs202008308, ClinGen allele CA1552229.

ClinVar aggregate classification (germline): Uncertain significance (1 of 4 stars; one submission).

Conditions:
NCOA1-related disorder. Also called: NCOA1-related condition.

Allele frequency attached by ClinVar (database versions not stated): ESP Exome Variant Server 0.00008; ExAC 0.00021.
gnomAD v4.1: 638 of 1,614,096 alleles (0.04%); highest among the groups gnomAD compares: Non-Finnish European, 0.052%; 2 homozygotes.

Submission:

PreventionGenetics, part of Exact Sciences
Classification: Uncertain significance for NCOA1-related condition. Last evaluated: 2026-04-17. Review status: criteria provided, single submitter. Criteria: ACMG Guidelines, 2015. Collection method: clinical testing. Allele origin: germline.
Comment: The NCOA1 c.1292A>G variant is predicted to result in the amino acid substitution p.His431Arg. This variant has been reported in five individuals from a large cohort with severe obesity; however, no additional evidence was provided to support causation (Cacciottolo et al. 2022. PubMed ID: 35137184). This variant is documented in 0.047% of alleles in individuals of European (Non-Finnish) descent in gnomAD, which may be too common for an autosomal dominant disease-causing variant. Although we suspect that this variant may be benign, at this time, the clinical significance of this variant is uncertain due to the absence of conclusive functional and genetic evidence.